The following is an entry in ClinVar:

ClinVar aggregate classification (germline): Benign/Likely benign. Review status: criteria provided, multiple submitters, no conflicts (2 of 4 stars). 13 submissions from 13 submitters: Benign (7); Likely benign (4). 2 of the submissions do not count toward it. Last evaluated 2026-07-01.

Conditions:
Ehlers-Danlos syndrome (EDS). Identifiers: Orphanet 98249, MedGen C0013720, MONDO:0020066.
Familial thoracic aortic aneurysm and aortic dissection (TAAD). Also called: Thoracic aortic aneurysms and dissections. Identifiers: Orphanet 91387, MedGen C4707243, MONDO:0019625.
Loeys-Dietz syndrome 2 (LDS2). Also called: Marfan Syndrome type 2; Marfan like connective tissue disorder; MFS 2; AORTIC ANEURYSM, FAMILIAL THORACIC 3; MARFAN SYNDROME, TYPE II; TGFBR2-Related Loeys-Dietz Syndrome. Identifiers: Orphanet 284973, Orphanet 558, MedGen C2674574, MONDO:0012427, OMIM 610168.

Allele frequency attached by ClinVar (database versions not stated): ESP Exome Variant Server 0.00038; TOPMed 0.00043; 1000 Genomes Project 30x 0.00094; 1000 Genomes Project 0.00100; gnomAD exomes 0.00107 and 0.00146; ExAC 0.00122; gnomAD 0.00159 and 0.00166.
gnomAD v4.1: 1,793 of 1,614,124 alleles (0.11%); highest among the groups gnomAD compares: Middle Eastern, 0.2%; 10 homozygotes.

Submissions (13):

CeGaT Center for Human Genetics Tuebingen
Classification: Likely benign. Last evaluated: 2026-07-01. Review status: criteria provided, single submitter. Criteria: CeGaT Center For Human Genetics Tuebingen Variant Classification Criteria Version 2. Collection method: clinical testing. Allele origin: germline. Affected: yes. Observed: 11 variant alleles.
Comment: TGFBR2: BP4, BS1

Labcorp Genetics (formerly Invitae), Labcorp
Classification: Benign for Familial thoracic aortic aneurysm and aortic dissection. Last evaluated: 2026-02-02. Review status: criteria provided, single submitter. Criteria: Invitae Variant Classification Sherloc (09022015). Collection method: clinical testing. Allele origin: germline.

Mayo Clinic Laboratories, Mayo Clinic
Classification: Benign. Last evaluated: 2024-12-20. Review status: criteria provided, single submitter. Criteria: ACMG Guidelines, 2015. Collection method: clinical testing. Allele origin: germline. Observed: 2 variant alleles.
Comment: BS1, BS2, BP4, BP7

Blueprint Genetics
Classification: Likely benign. Last evaluated: 2024-11-07. Review status: criteria provided, single submitter. Criteria: ACMG Guidelines, 2015. Collection method: clinical testing. Allele origin: germline.

All of Us Research Program, National Institutes of Health
Classification: Benign for Loeys-Dietz syndrome 2. Last evaluated: 2024-02-05. Review status: criteria provided, single submitter. Criteria: ACMG Guidelines, 2015. Collection method: clinical testing. Allele origin: germline. Inheritance: Autosomal dominant inheritance. Observed: 146 variant alleles, 146 heterozygotes.
Comment: This study involves interpretation of variants in research participants for the purpose of population health screening. Participant phenotype was not available at the time of variant classification. Additional details can be found in publication PMID: 35346344, PMCID: PMC8962531

Genome Diagnostics Laboratory, The Hospital for Sick Children
Classification: Benign for Ehlers-Danlos syndrome. Last evaluated: 2021-06-14. Review status: criteria provided, single submitter. Criteria: ACMG Guidelines, 2015. Collection method: clinical testing. Allele origin: germline.

Color Diagnostics, LLC DBA Color Health
Classification: Benign for Familial thoracic aortic aneurysm and aortic dissection. Last evaluated: 2018-03-08. Review status: criteria provided, single submitter. Criteria: ACMG Guidelines, 2015. Collection method: clinical testing. Allele origin: germline.

Ambry Genetics
Classification: Benign for Familial thoracic aortic aneurysm and aortic dissection. Last evaluated: 2016-09-20. Review status: criteria provided, single submitter. Criteria: Ambry Variant Classification Scheme 2023. Collection method: clinical testing. Allele origin: germline.

GeneDx
Classification: Benign. Last evaluated: 2014-04-22. Review status: criteria provided, single submitter. Criteria: GeneDx Variant Classification (06012015). Collection method: clinical testing. Allele origin: germline. Affected: yes.
Comment: This variant is considered likely benign or benign based on one or more of the following criteria: it is a conservative change, it occurs at a poorly conserved position in the protein, it is predicted to be benign by multiple in silico algorithms, and/or has population frequency not consistent with disease.

Breakthrough Genomics
Classification: Likely benign. Review status: criteria provided, single submitter. Criteria: ACMG Guidelines, 2015. Collection method: not provided. Allele origin: germline. Inheritance: Autosomal dominant inheritance. Affected: yes.

PreventionGenetics, part of Exact Sciences
Classification: Likely benign. Review status: criteria provided, single submitter. Criteria: ACMG Guidelines, 2015. Collection method: clinical testing. Allele origin: germline.

Clinical Genetics DNA and cytogenetics Diagnostics Lab, Erasmus MC, Erasmus Medical Center
Classification: Likely benign. Review status: no assertion criteria provided. Collection method: clinical testing. Allele origin: germline. Affected: yes. Study: VKGL Data-share Consensus. Not counted in ClinVar's aggregate classification.

Genome Diagnostics Laboratory, Amsterdam University Medical Center
Classification: Likely benign. Review status: no assertion criteria provided. Collection method: clinical testing. Allele origin: germline. Affected: yes. Study: VKGL Data-share Consensus. Not counted in ClinVar's aggregate classification.

NM_003242.6(TGFBR2):c.1602G>A (p.Val534=)

Gene: TGFBR2 (transforming growth factor beta receptor 2; plus strand). Cytogenetic location: 3p24.1.
Variant type: single nucleotide variant.
Coding change: c.1602G>A on transcript NM_003242.6 (MANE Select); coding-DNA position 1602, G replaced by A.
Protein change: p.Val534=; no amino-acid change (valine 534 retained).
Molecular consequence: synonymous variant.
Genome position (GRCh38, 1-based): chr3:30,691,497, G>A. VCF-style: chr3-30691497-G-A. GRCh37 (hg19) VCF-style: chr3-30732989-G-A.
Other names: p.V534V:GTG>GTA; p.Val534=; c.1677G>A, p.Val559= (NM_001024847.3); c.1785G>A, p.Val595= (NM_001407126.1); c.1710G>A, p.Val570= (NM_001407127.1); c.1629G>A, p.Val543= (NM_001407128.1); c.1605G>A, p.Val535= (NM_001407129.1); c.1599G>A, p.Val533= (NM_001407130.1); and 4 more.
Identifiers: ClinVar variation 137637 (VCV000137637.61), dbSNP rs140818646, ClinGen allele CA020738.